The following is an entry in ClinVar:

ClinVar aggregate classification (germline): Pathogenic/Likely pathogenic. Review status: criteria provided, multiple submitters, no conflicts (2 of 4 stars). 4 submissions from 4 submitters: Pathogenic (2); Likely pathogenic (2). Last evaluated 2025-11-24.

Conditions:
Bardet-Biedl syndrome (BBS). Identifiers: Orphanet 110, MedGen C0752166, MONDO:0015229.
BBS7-related disorder. Also called: BBS7-related condition.
Bardet-Biedl syndrome 7 (BBS7). Identifiers: Orphanet 110, MedGen C1859565, MONDO:0014435, OMIM 615984.

Allele frequency attached by ClinVar (database versions not stated): gnomAD exomes below 0.00001; ExAC 0.00002; gnomAD 0.00002; TOPMed 0.00002.

Submissions (4):

Women's Health and Genetics/Laboratory Corporation of America, LabCorp
Classification: Pathogenic for Bardet-Biedl syndrome 7. Last evaluated: 2025-11-24. Review status: criteria provided, single submitter. Criteria: LabCorp Variant Classification Summary - May 2015. Collection method: clinical testing. Allele origin: germline.
Comment: Variant summary: BBS7 c.133dupA (p.Met45AsnfsX45) results in a premature termination codon, predicted to cause a truncation of the encoded protein or absence of the protein due to nonsense mediated decay, which are commonly known mechanisms for disease. The variant allele was found at a frequency of 1.2e-05 in 251394 control chromosomes. To our knowledge, no occurrence of c.133dupA in individuals affected with BBS7-related conditions and no experimental evidence demonstrating its impact on protein function have been reported. ClinVar contains an entry for this variant (Variation ID: 2784090). Based on the evidence outlined above, the variant was classified as pathogenic.

PreventionGenetics, part of Exact Sciences
Classification: Likely pathogenic for BBS7-related condition. Last evaluated: 2025-03-12. Review status: criteria provided, single submitter. Criteria: ACMG Guidelines, 2015. Collection method: clinical testing. Allele origin: germline.
Comment: The BBS7 c.133dupA variant is predicted to result in a frameshift and premature protein termination (p.Met45Asnfs*45). To our knowledge, this variant has not been reported in any individuals with Bardet-Biedl syndrome. This variant is reported in 0.012% of alleles in individuals of African descent in gnomAD. Frameshift variants in BBS7 are expected to be pathogenic. This variant is interpreted as likely pathogenic.

Fulgent Genetics
Classification: Likely pathogenic for Bardet-Biedl syndrome 7. Last evaluated: 2024-03-22. Review status: criteria provided, single submitter. Criteria: ACMG Guidelines, 2015. Collection method: clinical testing. Allele origin: germline.

Labcorp Genetics (formerly Invitae), Labcorp
Classification: Pathogenic for Bardet-Biedl syndrome. Last evaluated: 2023-05-02. Review status: criteria provided, single submitter. Criteria: Invitae Variant Classification Sherloc (09022015). Collection method: clinical testing. Allele origin: germline.
Comment: For these reasons, this variant has been classified as Pathogenic. This variant has not been reported in the literature in individuals affected with BBS7-related conditions. This variant is present in population databases (rs777707753, gnomAD 0.01%). This sequence change creates a premature translational stop signal (p.Met45Asnfs*45) in the BBS7 gene. It is expected to result in an absent or disrupted protein product. Loss-of-function variants in BBS7 are known to be pathogenic (PMID: 12567324, 19402160, 21209035, 31196119).

Literature cited by the submitters: PubMed 12567324 (cited by Labcorp Genetics (formerly Invitae), Labcorp); PubMed 19402160 (cited by Labcorp Genetics (formerly Invitae), Labcorp); PubMed 21209035 (cited by Labcorp Genetics (formerly Invitae), Labcorp); PubMed 31196119 (cited by Labcorp Genetics (formerly Invitae), Labcorp).

NM_176824.3(BBS7):c.133dup (p.Met45fs)

Gene: BBS7 (Bardet-Biedl syndrome 7; minus strand). Cytogenetic location: 4q27.
Variant type: Duplication.
Coding change: c.133dup on transcript NM_176824.3 (MANE Select); coding-DNA position 133, one base duplicated (A; older notation c.133dupA).
Protein change: p.Met45fs; shifts the reading frame from methionine 45.
Molecular consequence: frameshift variant.
Genome position (GRCh38, 1-based): chr4:121,863,249, T duplicated on the plus strand (A on the coding strand, the reverse complement: BBS7 is on the minus strand). VCF-style (leftmost placement, unchanged base first): chr4-121863248-A-AT. GRCh37 (hg19) VCF-style: chr4-122784403-A-AT.
Other names: c.133dupA (NM_176824.2, NM_176824.3); c.133dup, p.Met45fs (NM_018190.4); short protein forms M45fs.
Identifiers: ClinVar variation 2784090 (VCV002784090.6), dbSNP rs777707753, ClinGen allele CA3064591.